The following is an entry in ClinVar:

ClinVar aggregate classification (germline): Uncertain significance. Review status: criteria provided, multiple submitters, no conflicts (2 of 4 stars). 2 submissions from 2 submitters: Uncertain significance (2). Last evaluated 2024-09-05.

Conditions:
Nephrolithiasis/nephrocalcinosis. Identifiers: MedGen CN580796.
Familial hypocalciuric hypercalcemia (FHH). Also called: Familial benign hypercalcemia. Identifiers: Orphanet 405, MedGen C1809471, MONDO:0018458.
Autosomal dominant hypocalcemia 1 (HYPOC1). Also called: HYPOCALCEMIA, FAMILIAL. Identifiers: MedGen C3715128, MONDO:0011013, OMIM 601198.

Submissions (2):

Labcorp Genetics (formerly Invitae), Labcorp
Classification: Uncertain significance for Familial hypocalciuric hypercalcemia; Autosomal dominant hypocalcemia 1. Last evaluated: 2024-09-05. Review status: criteria provided, single submitter. Criteria: Invitae Variant Classification Sherloc (09022015). Collection method: clinical testing. Allele origin: germline.
Comment: This sequence change replaces proline, which is neutral and non-polar, with leucine, which is neutral and non-polar, at codon 278 of the CASR protein (p.Pro278Leu). This variant is not present in population databases (gnomAD no frequency). This variant has not been reported in the literature in individuals affected with CASR-related conditions. ClinVar contains an entry for this variant (Variation ID: 2080494). An algorithm developed to predict the effect of missense changes on protein structure and function (PolyPhen-2) suggests that this variant is likely to be disruptive. In summary, the available evidence is currently insufficient to determine the role of this variant in disease. Therefore, it has been classified as a Variant of Uncertain Significance.

Ambry Genetics
Classification: Uncertain significance for Nephrolithiasis/nephrocalcinosis. Last evaluated: 2023-12-01. Review status: criteria provided, single submitter. Criteria: Ambry Variant Classification Scheme 2023. Collection method: clinical testing. Allele origin: germline.
Comment: The p.P278L variant (also known as c.833C>T), located in coding exon 3 of the CASR gene, results from a C to T substitution at nucleotide position 833. The proline at codon 278 is replaced by leucine, an amino acid with similar properties. This amino acid position is conserved. In addition, this alteration is predicted to be deleterious by in silico analysis. Since supporting evidence is limited at this time, the clinical significance of this alteration remains unclear.

NM_000388.4(CASR):c.833C>T (p.Pro278Leu)

Gene: CASR (calcium sensing receptor; plus strand). Cytogenetic location: 3q21.1.
Variant type: single nucleotide variant.
Coding change: c.833C>T on transcript NM_000388.4 (MANE Select); coding-DNA position 833, C replaced by T.
Protein change: p.Pro278Leu; replaces proline 278 with leucine.
Molecular consequence: missense variant.
Genome position (GRCh38, 1-based): chr3:122,261,868, C>T. VCF-style: chr3-122261868-C-T. GRCh37 (hg19) VCF-style: chr3-121980715-C-T.
Other names: c.833C>T (NM_000388.3); c.833C>T, p.Pro278Leu (NM_001178065.2); short protein forms P278L.
Identifiers: ClinVar variation 2080494 (VCV002080494.5), dbSNP rs2473226712, ClinGen allele CA354151454.